The following is an entry in ClinVar:

ClinVar aggregate classification (germline): Likely benign. Review status: criteria provided, multiple submitters, no conflicts (2 of 4 stars). 2 submissions from 2 submitters: Likely benign (2). Last evaluated 2016-03-28.

Allele frequency attached by ClinVar (database versions not stated): gnomAD 0.02471 and 0.02553; gnomAD exomes 0.02608 and 0.02969; ESP Exome Variant Server 0.02446; ExAC 0.02743; 1000 Genomes Project 30x 0.01437.
gnomAD v4.1: 46,924 of 1,612,454 alleles (2.9%); highest among the groups gnomAD compares: Non-Finnish European, 3.2%; no homozygotes.

Submissions (8):

Laboratory for Molecular Medicine, Mass General Brigham Personalized Medicine
Classification: Likely benign. Last evaluated: 2016-03-28. Review status: criteria provided, single submitter. Criteria: LMM Criteria. Collection method: clinical testing. Allele origin: germline.
Comment: Variant identified in a genome or exome case(s) and assessed due to predicted null impact of the variant or pathogenic assertions in the literature or databases. Disclaimer: This variant has not undergone full assessment. The following are preliminary notes: Frequency

Breakthrough Genomics
Classification: Likely benign. Review status: criteria provided, single submitter. Criteria: ACMG Guidelines, 2015. Collection method: not provided. Allele origin: germline. Inheritance: Autosomal dominant inheritance. Affected: yes.

Dr. Peter K. Rogan Lab, Western University
No classification provided (evidence only). Condition: Melanoma. Review status: no classification provided. Collection method: in vitro. Allele origin: not applicable. Functional consequence: retained intron. Not counted in ClinVar's aggregate classification.

Dr. Peter K. Rogan Lab, Western University
No classification provided (evidence only). Condition: Colon adenocarcinoma. Review status: no classification provided. Collection method: in vitro. Allele origin: not applicable. Functional consequence: retained intron. Not counted in ClinVar's aggregate classification.

Dr. Peter K. Rogan Lab, Western University
No classification provided (evidence only). Condition: Colorectal cancer. Review status: no classification provided. Collection method: in vitro. Allele origin: not applicable. Functional consequence: retained intron. Not counted in ClinVar's aggregate classification.

Dr. Peter K. Rogan Lab, Western University
No classification provided (evidence only). Condition: Colorectal cancer. Review status: no classification provided. Collection method: in vitro. Allele origin: not applicable. Functional consequence: retained intron. Not counted in ClinVar's aggregate classification.

Dr. Peter K. Rogan Lab, Western University
No classification provided (evidence only). Condition: Ovarian serous cystadenocarcinoma. Review status: no classification provided. Collection method: in vitro. Allele origin: not applicable. Functional consequence: retained intron. Not counted in ClinVar's aggregate classification.

Dr. Peter K. Rogan Lab, Western University
No classification provided (evidence only). Condition: Malignant tumor of esophagus. Review status: no classification provided. Collection method: in vitro. Allele origin: not applicable. Functional consequence: retained intron. Not counted in ClinVar's aggregate classification.

NM_002458.3(MUC5B):c.8900A>G (p.Asn2967Ser)

Genes: MUC5B (mucin 5B, oligomeric mucus/gel-forming; plus strand), MUC5B-AS1 (MUC5B antisense RNA 1; minus strand). Cytogenetic location: 11p15.5.
Variant type: single nucleotide variant.
Coding change: c.8900A>G on transcript NM_002458.3 (MANE Select); coding-DNA position 8900, A replaced by G.
Protein change: p.Asn2967Ser; replaces asparagine 2967 with serine.
Molecular consequence: missense variant.
Genome position (GRCh38, 1-based): chr11:1,245,780, A>G. VCF-style: chr11-1245780-A-G. GRCh37 (hg19) VCF-style: chr11-1267010-A-G.
Other names: short protein forms N2967S.
Identifiers: ClinVar variation 403184 (VCV000403184.6), dbSNP rs200811033, ClinGen allele CA5806757.